The following is an entry in ClinVar:

ClinVar aggregate classification (germline): Uncertain significance. Review status: criteria provided, single submitter (1 of 4 stars). 2 submissions from 2 submitters: Uncertain significance (1). 1 of the submissions does not count toward it. Last evaluated 2024-07-19.

Conditions:
Mucolipidosis type II. Also called: Mucolipidosis 2; ML 2; Inclusion cell disease; Leroy Disease; N-acetylglucosamine 1phosphotransferase deficiency; ML disorder type 2. Identifiers: Orphanet 576, MedGen C2673377, MONDO:0009650, OMIM 252500.

Allele frequency attached by ClinVar (database versions not stated): gnomAD 0.00001; gnomAD exomes 0.00001.
gnomAD v4.1: 20 of 1,613,466 alleles (0.0012%); highest among the groups gnomAD compares: Admixed American, 0.0017%; no homozygotes.

Submissions (2):

GeneDx
Classification: Uncertain significance. Last evaluated: 2024-07-19. Review status: criteria provided, single submitter. Criteria: GeneDx Variant Classification Process June 2021. Collection method: clinical testing. Allele origin: germline. Affected: yes.
Comment: Not observed at significant frequency in large population cohorts (gnomAD); In silico analysis supports that this missense variant has a deleterious effect on protein structure/function; Has not been previously published as pathogenic or benign to our knowledge

Natera, Inc.
Classification: Uncertain significance for Mucolipidosis type II. Last evaluated: 2020-04-17. Review status: no assertion criteria provided. Collection method: clinical testing. Allele origin: germline. Not counted in ClinVar's aggregate classification.

NM_024312.5(GNPTAB):c.3182T>C (p.Leu1061Pro)

Gene: GNPTAB (N-acetylglucosamine-1-phosphate transferase subunits alpha and beta; minus strand). Cytogenetic location: 12q23.2.
Variant type: single nucleotide variant.
Coding change: c.3182T>C on transcript NM_024312.5 (MANE Select); coding-DNA position 3182, T replaced by C.
Protein change: p.Leu1061Pro; replaces leucine 1061 with proline.
Molecular consequence: missense variant.
Genome position (GRCh38, 1-based): chr12:101,760,097, A>G on the plus strand (T>C on the coding strand, the complement: GNPTAB is on the minus strand). VCF-style: chr12-101760097-A-G. GRCh37 (hg19) VCF-style: chr12-102153875-A-G.
Other names: c.3182T>C (NM_024312.4); short protein forms L1061P.
Identifiers: ClinVar variation 990627 (VCV000990627.2), dbSNP rs143333669, ClinGen allele CA386294777.